The following is an entry in ClinVar:

ClinVar aggregate classification (germline): Uncertain significance. Review status: criteria provided, multiple submitters, no conflicts (2 of 4 stars). 2 submissions from 2 submitters: Uncertain significance (2). Last evaluated 2024-04-25.

Conditions:
Duchenne muscular dystrophy (DMD). Also called: Duchenne Muscular Dystrophy (DMD); MUSCULAR DYSTROPHY, PSEUDOHYPERTROPHIC PROGRESSIVE, DUCHENNE TYPE. Identifiers: Orphanet 98896, MedGen C0013264, MONDO:0010679, OMIM 310200.

Allele frequency attached by ClinVar (database versions not stated): ExAC 0.00001.

Submissions (2):

Labcorp Genetics (formerly Invitae), Labcorp
Classification: Uncertain significance for Duchenne muscular dystrophy. Last evaluated: 2024-04-25. Review status: criteria provided, single submitter. Criteria: Invitae Variant Classification Sherloc (09022015). Collection method: clinical testing. Allele origin: germline.
Comment: This sequence change replaces methionine, which is neutral and non-polar, with valine, which is neutral and non-polar, at codon 3145 of the DMD protein (p.Met3145Val). This variant is not present in population databases (gnomAD no frequency). This variant has not been reported in the literature in individuals affected with DMD-related conditions. ClinVar contains an entry for this variant (Variation ID: 1684684). Advanced modeling of protein sequence and biophysical properties (such as structural, functional, and spatial information, amino acid conservation, physicochemical variation, residue mobility, and thermodynamic stability) performed at Invitae indicates that this missense variant is not expected to disrupt DMD protein function with a negative predictive value of 95%. In summary, the available evidence is currently insufficient to determine the role of this variant in disease. Therefore, it has been classified as a Variant of Uncertain Significance.

Mendelics
Classification: Uncertain significance. Last evaluated: 2022-05-04. Review status: criteria provided, single submitter. Criteria: Mendelics Assertion Criteria 2019. Collection method: clinical testing. Allele origin: germline.

NM_004006.3(DMD):c.9433A>G (p.Met3145Val)

Gene: DMD (dystrophin; minus strand). Cytogenetic location: Xp21.2.
Variant type: single nucleotide variant.
Coding change: c.9433A>G on transcript NM_004006.3 (MANE Select); coding-DNA position 9433, A replaced by G.
Protein change: p.Met3145Val; replaces methionine 3145 with valine.
Molecular consequence: missense variant.
Genome position (GRCh38, 1-based): chrX:31,209,628, T>C on the plus strand (A>G on the coding strand, the complement: DMD is on the minus strand). VCF-style: chrX-31209628-T-C. GRCh37 (hg19) VCF-style: chrX-31227745-T-C.
Other names: c.9409A>G, p.Met3137Val (NM_000109.4); c.9421A>G, p.Met3141Val (NM_004009.3); c.9064A>G, p.Met3022Val (NM_004010.3); c.5410A>G, p.Met1804Val (NM_004011.4); c.5401A>G, p.Met1801Val (NM_004012.4); c.2053A>G, p.Met685Val (NM_004013.3, NM_004020.4, NM_004021.3 and 2 more transcripts); c.1246A>G, p.Met416Val (NM_004014.3); c.229A>G, p.Met77Val (NM_004015.3, NM_004016.3, NM_004017.3 and 2 more transcripts); short protein forms M1801V, M1804V, M3022V, M3137V, M3141V, M3145V, M416V, M685V.
Identifiers: ClinVar variation 1684684 (VCV001684684.4), dbSNP rs775080631, ClinGen allele CA10377806.